The following is an entry in ClinVar:

ClinVar aggregate classification (germline): Benign/Likely benign. Review status: criteria provided, multiple submitters, no conflicts (2 of 4 stars). 5 submissions from 5 submitters: Benign (2); Likely benign (3). Last evaluated 2026-07-08.

Conditions:
SMARCA4-related disorder. Also called: SMARCA4-related condition.
Hereditary cancer-predisposing syndrome. Also called: Hereditary Cancer Syndrome; Hereditary neoplastic syndrome; Neoplastic Syndromes, Hereditary; Tumor predisposition. Identifiers: Orphanet 140162, MedGen C0027672, MeSH D009386, MONDO:0015356.
Rhabdoid tumor predisposition syndrome 2 (RTPS2). Identifiers: Orphanet 231108, Orphanet 69077, MedGen C2750074, MONDO:0013224, OMIM 613325.

Allele frequency attached by ClinVar (database versions not stated): ExAC 0.00007; gnomAD 0.00005 and 0.00004; gnomAD exomes 0.00005 and 0.00007; TOPMed 0.00003; 1000 Genomes Project 30x 0.00016; 1000 Genomes Project 0.00020.

Submissions (5):

Myriad Genetics, Inc.
Classification: Likely benign for Rhabdoid tumor predisposition syndrome 2. Last evaluated: 2026-07-08. Review status: criteria provided, single submitter. Criteria: Myriad Autosomal Dominant, Autosomal Recessive and X-Linked Classification Criteria (2023). Collection method: clinical testing. Allele origin: unknown.
Comment: This variant is considered likely benign. This variant is intronic and is not expected to impact mRNA splicing.

PreventionGenetics, part of Exact Sciences
Classification: Likely benign for SMARCA4-related condition. Last evaluated: 2026-02-27. Review status: criteria provided, single submitter. Criteria: ACMG Guidelines, 2015. Collection method: clinical testing. Allele origin: germline.
Comment: This variant is classified as likely benign based on ACMG/AMP sequence variant interpretation guidelines (Richards et al. 2015 PMID: 25741868, with internal and published modifications).

Labcorp Genetics (formerly Invitae), Labcorp
Classification: Likely benign for Rhabdoid tumor predisposition syndrome 2. Last evaluated: 2026-01-17. Review status: criteria provided, single submitter. Criteria: Invitae Variant Classification Sherloc (09022015). Collection method: clinical testing. Allele origin: germline.

Quest Diagnostics Nichols Institute San Juan Capistrano
Classification: Benign. Last evaluated: 2022-11-01. Review status: criteria provided, single submitter. Criteria: Quest Diagnostics criteria. Collection method: clinical testing. Allele origin: unknown.

Sema4
Classification: Benign for Hereditary cancer-predisposing syndrome. Last evaluated: 2020-08-29. Review status: criteria provided, single submitter. Criteria: Sema4 Curation Guidelines. Collection method: curation. Allele origin: germline.

NM_003072.5(SMARCA4):c.3951+7G>A

Gene: SMARCA4 (SWI/SNF related BAF chromatin remodeling complex subunit ATPase 4; plus strand). Cytogenetic location: 19p13.2.
Variant type: single nucleotide variant.
Coding change: c.3951+7G>A on transcript NM_003072.5 (MANE Select); 7 bases into the intron after coding-DNA position 3951, G replaced by A.
Molecular consequence: intron variant.
Genome position (GRCh38, 1-based): chr19:11,034,207, G>A. VCF-style: chr19-11034207-G-A. GRCh37 (hg19) VCF-style: chr19-11144883-G-A.
Other names: c.3951+7G>A (NM_001128844.3, NM_001128849.3, NM_001387283.1); c.3852+7G>A (NM_001128847.4, NM_001374457.1, NM_001128845.2 and 2 more transcripts).
Identifiers: ClinVar variation 415057 (VCV000415057.17), dbSNP rs543683431, ClinGen allele CA9204569.